The following is an entry in ClinVar:

ClinVar aggregate classification (germline): Uncertain significance. Review status: criteria provided, multiple submitters, no conflicts (2 of 4 stars). 2 submissions from 2 submitters: Uncertain significance (2). Last evaluated 2025-08-31.

Conditions:
Inborn genetic diseases. Identifiers: MedGen C0950123, MeSH D030342.

Allele frequency attached by ClinVar (database versions not stated): gnomAD 0.00001; gnomAD exomes 0.00002.

Submissions (2):

Ambry Genetics
Classification: Uncertain significance for Inborn genetic diseases. Last evaluated: 2025-08-31. Review status: criteria provided, single submitter. Criteria: Ambry Variant Classification Scheme 2023. Collection method: clinical testing. Allele origin: germline.

GeneDx
Classification: Uncertain significance. Last evaluated: 2022-08-25. Review status: criteria provided, single submitter. Criteria: GeneDx Variant Classification Process June 2021. Collection method: clinical testing. Allele origin: germline. Affected: yes.
Comment: Not observed at significant frequency in large population cohorts (gnomAD); In silico analysis supports that this missense variant does not alter protein structure/function; Has not been previously published as pathogenic or benign to our knowledge

NM_022095.4(ZNF335):c.185G>A (p.Arg62His)

Gene: ZNF335 (zinc finger protein 335; minus strand). Cytogenetic location: 20q13.12.
Variant type: single nucleotide variant.
Coding change: c.185G>A on transcript NM_022095.4 (MANE Select); coding-DNA position 185, G replaced by A.
Protein change: p.Arg62His; replaces arginine 62 with histidine.
Molecular consequence: missense variant.
Genome position (GRCh38, 1-based): chr20:45,971,226, C>T on the plus strand (G>A on the coding strand, the complement: ZNF335 is on the minus strand). VCF-style: chr20-45971226-C-T. GRCh37 (hg19) VCF-style: chr20-44599865-C-T.
Other names: short protein forms R62H.
Identifiers: ClinVar variation 2430843 (VCV002430843.2), dbSNP rs1190210981, ClinGen allele CA409198380.